The following is an entry in ClinVar:

NM_144670.6(A2ML1):c.940A>G (p.Ile314Val)

Gene: A2ML1 (alpha-2-macroglobulin like 1; plus strand). Cytogenetic location: 12p13.31.
Variant type: single nucleotide variant.
Coding change: c.940A>G on transcript NM_144670.6 (MANE Select); coding-DNA position 940, A replaced by G.
Protein change: p.Ile314Val; replaces isoleucine 314 with valine.
Molecular consequence: missense variant.
Genome position (GRCh38, 1-based): chr12:8,838,420, A>G. VCF-style: chr12-8838420-A-G. GRCh37 (hg19) VCF-style: chr12-8991016-A-G.
Other names: short protein forms I314V.
Identifiers: ClinVar variation 3229219 (VCV003229219.1), dbSNP rs2539210302, ClinGen allele CA383823453.

ClinVar aggregate classification (germline): Uncertain significance (1 of 4 stars; one submission).

Submission:

Ambry Genetics
Classification: Uncertain significance. Last evaluated: 2023-09-28. Review status: criteria provided, single submitter. Criteria: Ambry Variant Classification Scheme 2023. Collection method: clinical testing. Allele origin: germline.
Comment: The p.I314V variant (also known as c.940A>G), located in coding exon 9 of the A2ML1 gene, results from an A to G substitution at nucleotide position 940. The isoleucine at codon 314 is replaced by valine, an amino acid with highly similar properties. This amino acid position is conserved. In addition, this alteration is predicted to be tolerated by in silico analysis. Since supporting evidence is limited at this time, the clinical significance of this alteration remains unclear.